The following is an entry in ClinVar:

NC_000009.12:g.35658042_35658051dup

Gene: RMRP (RNA component of mitochondrial RNA processing endoribonuclease; minus strand). Cytogenetic location: 9p13.3.
Variant type: Duplication.
Genome position: GRCh38 VCF-style: chr9-35658038-G-GTAGTATTTTA. GRCh37 (hg19) VCF-style: chr9-35658035-G-GTAGTATTTTA.
Identifiers: ClinVar variation 2029551 (VCV002029551.4), dbSNP rs1554651552, ClinGen allele CA2580080482.
Genomic context (GRCh38, chr9:35,658,038, plus strand): 5'-CCTCAGTGTGTAGCCTAGGATACAGGCCTTCAGCACGAACCACGTCCTCAGCTTCACAGA[G>GTAGTATTTTA]TAGTATTTTATAGCCCTAAAGAAATTGTGTTTTATGATTAGGGTGAGAAAGTTGGTGGCG-3'

ClinVar aggregate classification (germline): Pathogenic (1 of 4 stars; one submission).

Conditions:
Anauxetic dysplasia. Identifiers: Orphanet 93347, MedGen C1846796, MONDO:0011773.

Submission:

Labcorp Genetics (formerly Invitae), Labcorp
Classification: Pathogenic for Anauxetic dysplasia. Last evaluated: 2022-09-08. Review status: criteria provided, single submitter. Criteria: Invitae Variant Classification Sherloc (09022015). Collection method: clinical testing. Allele origin: germline.
Comment: For these reasons, this variant has been classified as Pathogenic. While functional studies for this variant have not been reported, experimental analyses using patient derived cells, as well as in vitro transfection studies, have shown that promoter insertions result in silencing of RMRP transcription and reduced expression of the gene product (PMID: 11207361, 16254002). While this particular variant has not been reported in the literature, it is located in the promoter region between the TATA box and the transcription initiation site, and other insertions and duplications immediately upstream of the coding sequence have been reported in individuals affected with cartilage-hair hypoplasia-anauxetic dysplasia (CHH-AD) spectrum disorders (PMID: 16244706, 11207361, 12107819). This variant is not present in population databases (gnomAD no frequency). This variant occurs in the RMRP gene, which encodes an RNA molecule that does not result in a protein product.

Literature cited by the submitters: PubMed 11207361; PubMed 16254002; PubMed 16244706; PubMed 12107819.